The following is an entry in ClinVar:

NM_003491.4(NAA10):c.614G>A (p.Ser205Asn)

Gene: NAA10 (N-alpha-acetyltransferase 10, NatA catalytic subunit; minus strand). Cytogenetic location: Xq28.
Variant type: single nucleotide variant.
Coding change: c.614G>A on transcript NM_003491.4 (MANE Select); coding-DNA position 614, G replaced by A.
Protein change: p.Ser205Asn; replaces serine 205 with asparagine.
Molecular consequence: missense variant.
Genome position (GRCh38, 1-based): chrX:153,930,081, C>T on the plus strand (G>A on the coding strand, the complement: NAA10 is on the minus strand). VCF-style: chrX-153930081-C-T. GRCh37 (hg19) VCF-style: chrX-153195534-C-T.
Other names: c.569G>A, p.Ser190Asn (NM_001256119.2); c.596G>A, p.Ser199Asn (NM_001256120.2); short protein forms S190N, S199N, S205N.
Identifiers: ClinVar variation 1334517 (VCV001334517.8), dbSNP rs1488037536, ClinGen allele CA415153073.

ClinVar aggregate classification (germline): Conflicting classifications of pathogenicity. Review status: criteria provided, conflicting classifications (1 of 4 stars). 3 submissions from 3 submitters: Uncertain significance (2); Likely benign (1). Last evaluated 2023-11-13.

Allele frequency attached by ClinVar (database versions not stated): gnomAD exomes 0.00001 and 0.00002; TOPMed 0.00001; gnomAD 0.00003.
gnomAD v4.1: 20 of 1,208,927 alleles (0.0017%); highest among the groups gnomAD compares: Non-Finnish European, 0.0022%; no homozygotes.

Submissions (3):

Labcorp Genetics (formerly Invitae), Labcorp
Classification: Uncertain significance. Last evaluated: 2023-11-13. Review status: criteria provided, single submitter. Criteria: Invitae Variant Classification Sherloc (09022015). Collection method: clinical testing. Allele origin: germline.
Comment: This sequence change replaces serine, which is neutral and polar, with asparagine, which is neutral and polar, at codon 205 of the NAA10 protein (p.Ser205Asn). This variant is present in population databases (no rsID available, gnomAD 0.001%). This variant has not been reported in the literature in individuals affected with NAA10-related conditions. ClinVar contains an entry for this variant (Variation ID: 1334517). An algorithm developed to predict the effect of missense changes on protein structure and function (PolyPhen-2) suggests that this variant is likely to be tolerated. In summary, the available evidence is currently insufficient to determine the role of this variant in disease. Therefore, it has been classified as a Variant of Uncertain Significance.

Blueprint Genetics
Classification: Likely benign. Last evaluated: 2022-09-16. Review status: criteria provided, single submitter. Criteria: ACMG Guidelines, 2015. Collection method: clinical testing. Allele origin: germline.

Greenwood Genetic Center Diagnostic Laboratories, Greenwood Genetic Center
Classification: Uncertain significance. Last evaluated: 2021-07-13. Review status: criteria provided, single submitter. Criteria: ACMG Guidelines, 2015. Collection method: clinical testing. Allele origin: germline. Affected: yes.
Comment: PM2